The following is an entry in ClinVar:

NM_020706.2(SCAF4):c.8C>T (p.Ala3Val)

Genes: SCAF4 (SR-related CTD associated factor 4; minus strand), LOC130066536 (ATAC-STARR-seq lymphoblastoid silent region 13243; plus strand). Cytogenetic location: 21q22.11.
Variant type: single nucleotide variant.
Coding change: c.8C>T on transcript NM_020706.2 (MANE Select); coding-DNA position 8, C replaced by T.
Protein change: p.Ala3Val; replaces alanine 3 with valine.
Molecular consequence: missense variant.
Genome position (GRCh38, 1-based): chr21:31,731,685, G>A on the plus strand (C>T on the coding strand, the complement: SCAF4 is on the minus strand). VCF-style: chr21-31731685-G-A. GRCh37 (hg19) VCF-style: chr21-33103998-G-A.
Other names: c.8C>T, p.Ala3Val (NM_001145444.1, NM_001145445.1); short protein forms A3V.
Identifiers: ClinVar variation 3061099 (VCV003061099.2), dbSNP rs2516899573, ClinGen allele CA410046276.

ClinVar aggregate classification (germline): Uncertain significance (0 of 4 stars; one submission).

Conditions:
SCAF4-related disorder. Also called: SCAF4-related condition.

Submission:

PreventionGenetics, part of Exact Sciences
Classification: Uncertain significance for SCAF4-related condition. Last evaluated: 2024-02-21. Review status: no assertion criteria provided. Collection method: clinical testing. Allele origin: germline.
Comment: The SCAF4 c.8C>T variant is predicted to result in the amino acid substitution p.Ala3Val. To our knowledge, this variant has not been reported in the literature or in a large population database, indicating this variant is rare. At this time, the clinical significance of this variant is uncertain due to the absence of conclusive functional and genetic evidence.